The following is an entry in ClinVar:

ClinVar aggregate classification (germline): Uncertain significance. Review status: reviewed by expert panel (3 of 4 stars). 4 submissions from 4 submitters: Uncertain significance (1). 3 of the submissions do not count toward it. Last evaluated 2023-12-06.

Conditions:
Angelman syndrome-like. Identifiers: MedGen CN128785.
Developmental and epileptic encephalopathy, 2 (DEE2). Also called: INFANTILE SPASM SYNDROME, X-LINKED 2; CDKL5 deficiency disorder. Identifiers: Orphanet 1934, Orphanet 3451, Orphanet 505652, MedGen C4750718, MONDO:0010396, OMIM 300672.
CDKL5 disorder. Identifiers: MedGen CN296942, MONDO:0100039.

Allele frequency attached by ClinVar (database versions not stated): 1000 Genomes Project 0.00026.

Submissions (4):

ClinGen Rett and Angelman-like Disorders Variant Curation Expert Panel
Classification: Uncertain significance for CDKL5 disorder. Last evaluated: 2023-12-06. Review status: reviewed by expert panel. Criteria: ClinGen RettAS ACMG Specifications CDKL5 V3.0.0. Collection method: curation. Allele origin: germline. Inheritance: X-linked inheritance.
Comment: The c.239G>A (p.Arg80His) variant was observed in at least 1 unaffected heterozygous individual (internal database - Invitae) (BS2_supporting). This variant is also present in one XY individual in gnomAD v4 (0.00008%) (not sufficient to meet BS1 criteria). Computational prediction analysis tools are inconclusive for this variant. In summary, the p.Arg80His variant in CDKL5 is classified as a Variant of Unknown Significance for CDKL5-associated disorder based on the ACMG/AMP criteria (BS2_supporting).

GeneDx
Classification: Uncertain significance. Last evaluated: 2025-06-28. Review status: criteria provided, single submitter. Criteria: GeneDx Variant Classification Process June 2021. Collection method: clinical testing. Allele origin: germline. Not counted in ClinVar's aggregate classification.
Comment: Not observed at significant frequency in large population cohorts (gnomAD); In silico analysis supports that this missense variant has a deleterious effect on protein structure/function; Has not been previously published as pathogenic or benign to our knowledge

Labcorp Genetics (formerly Invitae), Labcorp
Classification: Uncertain significance for Developmental and epileptic encephalopathy, 2; Angelman syndrome-like. Last evaluated: 2022-07-25. Review status: criteria provided, single submitter. Criteria: Invitae Variant Classification Sherloc (09022015). Collection method: clinical testing. Allele origin: germline. Not counted in ClinVar's aggregate classification.
Comment: Advanced modeling of protein sequence and biophysical properties (such as structural, functional, and spatial information, amino acid conservation, physicochemical variation, residue mobility, and thermodynamic stability) performed at Invitae indicates that this missense variant is expected to disrupt CDKL5 protein function. ClinVar contains an entry for this variant (Variation ID: 1319163). This missense change has been observed in at least one individual who was not affected with CDKL5-related conditions (Invitae). This variant has not been reported in the literature in individuals affected with CDKL5-related conditions. This variant is not present in population databases (gnomAD no frequency). This sequence change replaces arginine, which is basic and polar, with histidine, which is basic and polar, at codon 80 of the CDKL5 protein (p.Arg80His). In summary, the available evidence is currently insufficient to determine the role of this variant in disease. Therefore, it has been classified as a Variant of Uncertain Significance.

Institute for Clinical Genetics, University Hospital TU Dresden, University Hospital TU Dresden
Classification: Uncertain significance. Last evaluated: 2021-11-03. Review status: criteria provided, single submitter. Criteria: ACMG Guidelines, 2015. Collection method: clinical testing. Allele origin: germline. Not counted in ClinVar's aggregate classification.

NM_001323289.2(CDKL5):c.239G>A (p.Arg80His)

Gene: CDKL5 (cyclin dependent kinase like 5; plus strand). Cytogenetic location: Xp22.13.
Variant type: single nucleotide variant.
Coding change: c.239G>A on transcript NM_001323289.2 (MANE Select); coding-DNA position 239, G replaced by A.
Protein change: p.Arg80His; replaces arginine 80 with histidine.
Molecular consequence: missense variant.
Genome position (GRCh38, 1-based): chrX:18,575,447, G>A. VCF-style: chrX-18575447-G-A. GRCh37 (hg19) VCF-style: chrX-18593567-G-A.
Other names: NM_001323289.2(CDKL5):c.239G>A; p.Arg80His; c.239G>A, p.Arg80His (NM_001037343.2, NM_003159.3); short protein forms R80H.
Identifiers: ClinVar variation 1319163 (VCV001319163.11), dbSNP rs776025230, ClinGen allele CA10360227.
Genomic context (GRCh38, chrX:18,575,447, plus strand): 5'-AGCTTAAAATGCTTCGGACTCTCAAGCAGGAAAACATTGTGGAGTTGAAGGAAGCATTTC[G>A]TCGGAGGGGAAAGTTGTACTTGGTGTTTGAGTATGTTGAAAAAGTAAGTCATTAATTGCC-3'
Protein context (NP_001310218.1, residues 70-90): ENIVELKEAF[Arg80His]RRGKLYLVFE